The following is an entry in ClinVar:

NM_005461.5(MAFB):c.*155C>T

Gene: MAFB (MAF bZIP transcription factor B; minus strand). Cytogenetic location: 20q12.
Variant type: single nucleotide variant.
Coding change: c.*155C>T on transcript NM_005461.5 (MANE Select); 155 bases downstream of the stop codon, C replaced by T.
Molecular consequence: 3 prime UTR variant.
Genome position (GRCh38, 1-based): chr20:40,687,724, G>A on the plus strand (C>T on the coding strand, the complement: MAFB is on the minus strand). VCF-style: chr20-40687724-G-A. GRCh37 (hg19) VCF-style: chr20-39316364-G-A.
Identifiers: ClinVar variation 338403 (VCV000338403.6), dbSNP rs533850442, ClinGen allele CA10649698.

ClinVar aggregate classification (germline): Benign. Review status: criteria provided, multiple submitters, no conflicts (2 of 4 stars). 2 submissions from 2 submitters: Benign (2). Last evaluated 2018-01-12.

Conditions:
Multicentric carpo-tarsal osteolysis with or without nephropathy. Also called: Multicentric Osteolysis of Carpal Bones and Nephropathy; OSTEOLYSIS, HEREDITARY, OF CARPAL BONES WITH OR WITHOUT NEPHROPATHY; Carnevale Canun Mendoza syndrome; MULTICENTRIC OSTEOLYSIS, AUTOSOMAL DOMINANT; Multicentric Carpotarsal Osteolysis with or without Nephropathy; MULTICENTRIC CARPOTARSAL OSTEOLYSIS SYNDROME. Identifiers: Orphanet 2774, MedGen C2674705, MONDO:0008152, OMIM 166300.

Allele frequency attached by ClinVar (database versions not stated): 1000 Genomes Project 30x 0.00078; gnomAD 0.00018 and 0.00012; 1000 Genomes Project 0.00040; gnomAD exomes 0.00020; TOPMed 0.00035.

Submissions (2):

Illumina Laboratory Services, Illumina
Classification: Benign for Multicentric carpo-tarsal osteolysis with or without nephropathy. Last evaluated: 2018-01-12. Review status: criteria provided, single submitter. Criteria: ICSL Variant Classification Criteria 13 December 2019. Collection method: clinical testing. Allele origin: germline.
Comment: This variant was observed in the ICSL laboratory as part of a predisposition screen in an ostensibly healthy population. It had not been previously curated by ICSL or reported in the Human Gene Mutation Database (HGMD: prior to June 1st, 2018), and was therefore a candidate for classification through an automated scoring system. Utilizing variant allele frequency, disease prevalence and penetrance estimates, and inheritance mode, an automated score was calculated to assess if this variant is too frequent to cause the disease. Based on the score and internal cut-off values, a variant classified as benign is not then subjected to further curation. The score for this variant resulted in a classification of benign for this disease.

Breakthrough Genomics
Classification: Benign. Review status: criteria provided, single submitter. Criteria: ACMG Guidelines, 2015. Collection method: not provided. Allele origin: germline. Inheritance: Autosomal dominant inheritance. Affected: yes.